The following is an entry in ClinVar:

NM_000553.6(WRN):c.724_724+3del

Gene: WRN (WRN RecQ like helicase; plus strand). Cytogenetic location: 8p12.
Variant type: Deletion.
Coding change: c.724_724+3del on transcript NM_000553.6 (MANE Select); coding-DNA position 724 through 3 bases into the intron after coding-DNA position 724, 4 bases deleted (GGTA; older notation c.724_724+3delGGTA).
Molecular consequence: splice donor variant.
Genome position (GRCh38, 1-based): chr8:31,068,327-31,068,330, GGTA deleted; deleting any 4 consecutive bases within chr8:31,068,326-31,068,330 gives the same sequence; the c. name uses the placement nearest the transcript's 3' end. VCF-style (leftmost placement, unchanged base first): chr8-31068325-AAGGT-A. GRCh37 (hg19) VCF-style: chr8-30925841-AAGGT-A.
Other names: c.724_724+3delGGTA (NM_000553.4).
Identifiers: ClinVar variation 528171 (VCV000528171.5), dbSNP rs1554519449, ClinGen allele CA658797076.

ClinVar aggregate classification (germline): Likely pathogenic (1 of 4 stars; one submission).

Conditions:
Werner syndrome (WRN). Identifiers: Orphanet 902, MedGen C0043119, MONDO:0010196, OMIM 277700.

Submission:

Labcorp Genetics (formerly Invitae), Labcorp
Classification: Likely pathogenic for Werner syndrome. Last evaluated: 2017-10-23. Review status: criteria provided, single submitter. Criteria: Invitae Variant Classification Sherloc (09022015). Collection method: clinical testing. Allele origin: germline.
Comment: This variant is not present in population databases (ExAC no frequency). This variant has not been reported in the literature in individuals with WRN-related disease. In summary, the currently available evidence indicates that the variant is pathogenic, but additional data are needed to prove that conclusively. Therefore, this variant has been classified as Likely Pathogenic. Nucleotide substitutions within the consensus splice site are relatively common causes of aberrant splicing (PMID: 17576681, 9536098), and loss-of-function variants in WRN are known to be pathogenic (PMID: 16673358). Algorithms developed to predict the effect of sequence changes on RNA splicing suggest that this variant may disrupt the consensus splice site and result in an absent or disrupted protein product, but this prediction has not been confirmed by published transcriptional studies. This sequence change removes the last nucleotide of exon 7 and the first 3 nucleotides of intron 7 of the WRN gene. It does not directly change the donor splice site in intron 7 of the WRN gene, but it does affect several nucleotides within the consensus splice site.

Literature cited by the submitters: PubMed 17576681; PubMed 9536098; PubMed 16673358.